The following is an entry in ClinVar:

NM_152558.5(IQCE):c.1970-5T>C

Gene: IQCE (IQ motif containing E; plus strand). Cytogenetic location: 7p22.3.
Variant type: single nucleotide variant.
Coding change: c.1970-5T>C on transcript NM_152558.5 (MANE Select); 5 bases into the intron before coding-DNA position 1970, T replaced by C.
Molecular consequence: intron variant.
Genome position (GRCh38, 1-based): chr7:2,610,039, T>C. VCF-style: chr7-2610039-T-C. GRCh37 (hg19) VCF-style: chr7-2649673-T-C.
Other names: c.1775-5T>C (NM_001287501.2); c.1970-5T>C (NM_152558.4).
Identifiers: ClinVar variation 1300127 (VCV001300127.4), dbSNP rs3735108, ClinGen allele CA4129628.

ClinVar aggregate classification (germline): Benign. Review status: criteria provided, single submitter (1 of 4 stars). 2 submissions from 2 submitters: Benign (1). 1 of the submissions does not count toward it. Last evaluated 2021-08-19.

Conditions:
Polydactyly, postaxial, type a7. Identifiers: MedGen C4539976, MONDO:0060550, OMIM 617642.
IQCE-related disorder. Also called: IQCE-related condition.

Allele frequency attached by ClinVar (database versions not stated): ESP Exome Variant Server 0.37569; TOPMed 0.39702; gnomAD 0.40054 and 0.40611; 1000 Genomes Project 30x 0.43067; gnomAD exomes 0.43221 and 0.45872; 1000 Genomes Project 0.43590; ExAC 0.45389.
gnomAD v4.1: 653,833 of 1,523,800 alleles (43%); highest among the groups gnomAD compares: Admixed American, 55%; 143,607 homozygotes.

Submissions (2):

Genome-Nilou Lab
Classification: Benign for Polydactyly, postaxial, type a7. Last evaluated: 2021-08-19. Review status: criteria provided, single submitter. Criteria: ACMG Guidelines, 2015. Collection method: clinical testing. Allele origin: germline. Affected: no.

PreventionGenetics, part of Exact Sciences
Classification: Benign for IQCE-related condition. Last evaluated: 2023-02-01. Review status: no assertion criteria provided. Collection method: clinical testing. Allele origin: germline. Not counted in ClinVar's aggregate classification.
Comment: This variant is classified as benign based on ACMG/AMP sequence variant interpretation guidelines (Richards et al. 2015 PMID: 25741868, with internal and published modifications).